The following is an entry in ClinVar:

ClinVar aggregate classification (germline): Pathogenic. Review status: criteria provided, multiple submitters, no conflicts (2 of 4 stars). 3 submissions from 3 submitters: Pathogenic (2). 1 of the submissions does not count toward it. Last evaluated 2024-03-22.

Conditions:
Pontocerebellar hypoplasia type 2E. Identifiers: Orphanet 247198, MedGen C4014488, MONDO:0014370, OMIM 615851.

Submissions (3):

Fulgent Genetics
Classification: Pathogenic for Pontocerebellar hypoplasia type 2E. Last evaluated: 2024-03-22. Review status: criteria provided, single submitter. Criteria: ACMG Guidelines, 2015. Collection method: clinical testing. Allele origin: germline.

Labcorp Genetics (formerly Invitae), Labcorp
Classification: Pathogenic. Last evaluated: 2023-10-22. Review status: criteria provided, single submitter. Criteria: Invitae Variant Classification Sherloc (09022015). Collection method: clinical testing. Allele origin: germline.
Comment: This sequence change replaces glutamine, which is neutral and polar, with arginine, which is basic and polar, at codon 695 of the VPS53 protein (p.Gln695Arg). This variant is not present in population databases (gnomAD no frequency). This missense change has been observed in individual(s) with progressive cerebello-cerebral atrophy type 2 and/or spastic paraparesis, developmental delay, and epileptic features (PMID: 24577744, 30100179, 31418091). It is commonly reported in individuals of Moroccan Jewish ancestry (PMID: 24577744, 30100179, 31418091). ClinVar contains an entry for this variant (Variation ID: 139444). An algorithm developed to predict the effect of missense changes on protein structure and function (PolyPhen-2) suggests that this variant is likely to be disruptive. Experimental studies have shown that this missense change affects VPS53 function (PMID: 26357016). Algorithms developed to predict the effect of sequence changes on RNA splicing suggest that this variant may disrupt the consensus splice site. For these reasons, this variant has been classified as Pathogenic.

OMIM
Classification: Pathogenic for PONTOCEREBELLAR HYPOPLASIA, TYPE 2E. Last evaluated: 2014-05-01. Review status: no assertion criteria provided. Collection method: literature only. Allele origin: germline. Not counted in ClinVar's aggregate classification.

Literature cited by the submitters: PubMed 24577744 (cited by Labcorp Genetics (formerly Invitae), Labcorp and OMIM); PubMed 30100179 (cited by Labcorp Genetics (formerly Invitae), Labcorp); PubMed 31418091 (cited by Labcorp Genetics (formerly Invitae), Labcorp); PubMed 26357016 (cited by Labcorp Genetics (formerly Invitae), Labcorp); PubMed 12920088 (cited by OMIM); Hady-Cohen, R., Ben-Pazi, H., Adir, V., Yosovich, K., Blumkin, L., Lerman-Sagie, T., Lev, D. Progressive cerebello-cerebral atrophy and progressive encephalopathy with edema, hypsarrhythmia and optic atrophy may be allelic syndromes. Europ. J. Paediat. Neurol. 22: 1133-1138, 2018. (cited by OMIM).

NM_001128159.3(VPS53):c.2084A>G (p.Gln695Arg)

Gene: VPS53 (VPS53 subunit of GARP complex; minus strand). Cytogenetic location: 17p13.3.
Variant type: single nucleotide variant.
Coding change: c.2084A>G on transcript NM_001128159.3 (MANE Select); coding-DNA position 2084, A replaced by G.
Protein change: p.Gln695Arg; replaces glutamine 695 with arginine.
Molecular consequence: missense variant.
Genome position (GRCh38, 1-based): chr17:532,843, T>C on the plus strand (A>G on the coding strand, the complement: VPS53 is on the minus strand). VCF-style: chr17-532843-T-C. GRCh37 (hg19) VCF-style: chr17-436083-T-C.
Other names: c.2084A>G, p.Gln695Arg (NM_001366253.2); c.1490A>G, p.Gln497Arg (NM_001366254.2); c.1997A>G, p.Gln666Arg (NM_018289.4); short protein forms Q695R, Q497R, Q666R.
Identifiers: ClinVar variation 139444 (VCV000139444.8), dbSNP rs587777465, ClinGen allele CA163215.